The following is an entry in ClinVar:

ClinVar aggregate classification (germline): Uncertain significance (1 of 4 stars; one submission).

Conditions:
Inborn genetic diseases. Identifiers: MedGen C0950123, MeSH D030342.

gnomAD v4.1: 4 of 1,613,378 alleles (0.00025%); highest among the groups gnomAD compares: East Asian, 0.0089%; no homozygotes.

Submission:

Ambry Genetics
Classification: Uncertain significance for Inborn genetic diseases. Last evaluated: 2024-08-26. Review status: criteria provided, single submitter. Criteria: Ambry Variant Classification Scheme 2023. Collection method: clinical testing. Allele origin: germline.
Comment: The p.G188E variant (also known as c.563G>A), located in coding exon 3 of the ACD gene, results from a G to A substitution at nucleotide position 563. The glycine at codon 188 is replaced by glutamic acid, an amino acid with similar properties. This amino acid position is conserved. In addition, this alteration is predicted to be tolerated by in silico analysis. Based on the available evidence, the clinical significance of this variant remains unclear.

NM_001082486.2(ACD):c.305G>A (p.Gly102Glu)

Gene: ACD (ACD shelterin complex subunit and telomerase recruitment factor; minus strand). Cytogenetic location: 16q22.1.
Variant type: single nucleotide variant.
Coding change: c.305G>A on transcript NM_001082486.2 (MANE Select); coding-DNA position 305, G replaced by A.
Protein change: p.Gly102Glu; replaces glycine 102 with glutamic acid.
Molecular consequence: missense variant.
Genome position (GRCh38, 1-based): chr16:67,659,733, C>T on the plus strand (G>A on the coding strand, the complement: ACD is on the minus strand). VCF-style: chr16-67659733-C-T. GRCh37 (hg19) VCF-style: chr16-67693636-C-T.
Other names: c.305G>A, p.Gly102Glu (NM_001410884.1); c.296G>A, p.Gly99Glu (NM_022914.3); short protein forms G102E, G99E.
Identifiers: ClinVar variation 3480202 (VCV003480202.1).
Genomic context (GRCh38, chr16:67,659,733, plus strand): 5'-AACCCGCCCAAGGCAGTCTCACCACTCACCGCGCCGCCCTCAGCGACCTGGACATGAACC[C>T]CGCAGTCCTGCAGCAGCAGCAGCCGGCCCTCTGTCCCGCGGAAGCCGAACTCCTTCTCCT-3'
Protein context (NP_001075955.2, residues 92-112): EGRLLLLQDC[Gly102Glu]VHVQVAEGGA